The following is an entry in ClinVar:

ClinVar aggregate classification (germline): Pathogenic (1 of 4 stars; one submission).

Allele frequency attached by ClinVar (database versions not stated): gnomAD exomes below 0.00001; TOPMed below 0.00001; ExAC 0.00001.

Submission:

Labcorp Genetics (formerly Invitae), Labcorp
Classification: Pathogenic. Last evaluated: 2024-12-03. Review status: criteria provided, single submitter. Criteria: Invitae Variant Classification Sherloc (09022015). Collection method: clinical testing. Allele origin: germline.
Comment: This sequence change creates a premature translational stop signal (p.Tyr174Leufs*2) in the ORC4 gene. It is expected to result in an absent or disrupted protein product. Loss-of-function variants in ORC4 are known to be pathogenic (PMID: 21358631, 21358632, 22333897). This variant is present in population databases (rs766811493, gnomAD 0.0009%). This variant has not been reported in the literature in individuals affected with ORC4-related conditions. ClinVar contains an entry for this variant (Variation ID: 2050432). For these reasons, this variant has been classified as Pathogenic.

Literature cited by the submitters: PubMed 21358631; PubMed 21358632; PubMed 22333897.

NM_181741.4(ORC4):c.520dup (p.Tyr174fs)

Gene: ORC4 (origin recognition complex subunit 4; minus strand). Cytogenetic location: 2q23.1.
Variant type: Duplication.
Coding change: c.520dup on transcript NM_181741.4 (MANE Select); coding-DNA position 520, one base duplicated (T; older notation c.520dupT).
Protein change: p.Tyr174fs; shifts the reading frame from tyrosine 174.
Molecular consequence: frameshift variant.
Genome position (GRCh38, 1-based): chr2:147,952,441, A duplicated on the plus strand (T on the coding strand, the reverse complement: ORC4 is on the minus strand). VCF-style (leftmost placement, unchanged base first): chr2-147952440-T-TA. GRCh37 (hg19) VCF-style: chr2-148710009-T-TA.
Other names: c.520dup, p.Tyr174fs (NM_001190879.3, NM_001374270.1, NM_002552.5); c.268dup, p.Tyr90fs (NM_001190881.3, NM_001374272.1); c.298dup, p.Tyr100fs (NM_001190882.3); c.520dup, p.Tyr174Leufs (NM_181742.5); short protein forms Y174fs, Y100fs, Y90fs.
Identifiers: ClinVar variation 2050432 (VCV002050432.4), dbSNP rs766811493, ClinGen allele CA1899577.